The following is an entry in ClinVar:

ClinVar aggregate classification (germline): Uncertain significance (1 of 4 stars; one submission).

gnomAD v4.1: 34 of 699,868 alleles (0.0049%); highest among the groups gnomAD compares: African/African-American, 0.007%; 1 homozygote.

Submission:

Labcorp Genetics (formerly Invitae), Labcorp
Classification: Uncertain significance. Last evaluated: 2022-07-19. Review status: criteria provided, single submitter. Criteria: Invitae Variant Classification Sherloc (09022015). Collection method: clinical testing. Allele origin: germline.
Comment: This variant occurs in the RNU4ATAC gene, which encodes an RNA molecule that does not result in a protein product. The frequency data for this variant in the population databases is considered unreliable, as metrics indicate poor data quality at this position in the gnomAD database. This variant has not been reported in the literature in individuals affected with RNU4ATAC-related conditions. ClinVar contains an entry for this variant (Variation ID: 1424898). Experimental studies and prediction algorithms are not available or were not evaluated, and the functional significance of this variant is currently unknown. Algorithms developed to predict the effect of sequence changes on RNA splicing suggest that this variant may create or strengthen a splice site. In summary, the available evidence is currently insufficient to determine the role of this variant in disease. Therefore, it has been classified as a Variant of Uncertain Significance.

NC_000002.12:g.121530924A>G

Genes: CLASP1 (cytoplasmic linker associated protein 1; minus strand), CLASP1-AS1 (CLASP1 antisense RNA 1; plus strand), RNU4ATAC (RNA, U4atac small nuclear; plus strand). Cytogenetic location: 2q14.2.
Variant type: single nucleotide variant.
Molecular consequence: intron variant (on NM_001395891.1).
Genome position: GRCh38 VCF-style: chr2-121530924-A-G. GRCh37 (hg19) VCF-style: chr2-122288500-A-G.
Other names: c.196-599T>C (NM_001142274.2, NM_015282.3, NM_001378003.1 and 5 more transcripts).
Identifiers: ClinVar variation 1424898 (VCV001424898.3), dbSNP rs551370385, ClinGen allele CA54810844.